The following is an entry in ClinVar:

ClinVar aggregate classification (germline): Conflicting classifications of pathogenicity. Review status: criteria provided, conflicting classifications (1 of 4 stars). 12 submissions from 12 submitters: Likely pathogenic (4); Uncertain significance (6). 2 of the submissions do not count toward it. Last evaluated 2026-06-01.

Conditions:
SDHD-related disorder. Also called: SDHD-related condition.
Cowden syndrome 3 (CWS3). Identifiers: Orphanet 201, MedGen CN166604, MONDO:0014045.
Pheochromocytoma. Also called: MAX-Related Hereditary Paraganglioma-Pheochromocytoma Syndrome. Identifiers: Orphanet 29072, MedGen C0031511, MONDO:0008233, OMIM 171300, HP:0002666.
Carney-Stratakis syndrome. Also called: PARAGANGLIOMA AND GASTROINTESTINAL STROMAL TUMOR. Identifiers: Orphanet 97286, MedGen C1847319, MONDO:0011740, OMIM 606864.
Paragangliomas with sensorineural hearing loss. Identifiers: MedGen C1868633.
Mitochondrial complex 2 deficiency, nuclear type 3. Also called: MITOCHONDRIAL COMPLEX II DEFICIENCY, NUCLEAR TYPE 3. Identifiers: MedGen C5436934, MONDO:0030937, OMIM 619167.
Hereditary cancer-predisposing syndrome. Also called: Tumor predisposition; Hereditary neoplastic syndrome; Hereditary Cancer Syndrome; Neoplastic Syndromes, Hereditary. Identifiers: Orphanet 140162, MedGen C0027672, MeSH D009386, MONDO:0015356.
Hereditary pheochromocytoma and paraganglioma. Also called: Hereditary Paraganglioma-Pheochromocytoma Syndromes; Hereditary paragangliomas and pheochromocytomas; Hereditary pheochromocytoma-paraganglioma. Identifiers: Orphanet 29072, MedGen C4274332, MONDO:0017366.
Pheochromocytoma/paraganglioma syndrome 1. Also called: Paragangliomas 1; Paraganglioma - glomus jugulare; PARAGANGLIOMATA; PARAGANGLIOMAS, FAMILIAL NONCHROMAFFIN, 1; PGL 1; Paragangliomas familial 1. Identifiers: Orphanet 29072, MedGen C3494181, MONDO:0008192, OMIM 168000.

Allele frequency attached by ClinVar (database versions not stated): gnomAD exomes below 0.00001; gnomAD 0.00002; TOPMed 0.00003.
gnomAD v4.1: 15 of 1,610,500 alleles (0.00093%); highest among the groups gnomAD compares: South Asian, 0.0033%; no homozygotes.

Submissions 1 to 7 of 12:

CeGaT Center for Human Genetics Tuebingen
Classification: Likely pathogenic. Last evaluated: 2026-06-01. Review status: criteria provided, single submitter. Criteria: CeGaT Center For Human Genetics Tuebingen Variant Classification Criteria Version 2. Collection method: clinical testing. Allele origin: germline. Affected: yes. Observed: 4 variant alleles.
Comment: SDHD: PM2, PM3, PM4, PS3:Supporting

Labcorp Genetics (formerly Invitae), Labcorp
Classification: Uncertain significance for Carney-Stratakis syndrome; Paragangliomas with sensorineural hearing loss; Pheochromocytoma; Cowden syndrome 3. Last evaluated: 2025-12-09. Review status: criteria provided, single submitter. Criteria: Invitae Variant Classification Sherloc (09022015). Collection method: clinical testing. Allele origin: germline.
Comment: This sequence change disrupts the translational stop signal of the SDHD mRNA. It is expected to extend the length of the SDHD protein by 3 additional amino acid residues. This variant is present in population databases (rs201372601, gnomAD 0.0009%). This protein extension has been observed in individual(s) with mitochondrial complex II deficiency (PMID: 24367056). ClinVar contains an entry for this variant (Variation ID: 156154). Algorithms developed to predict the effect of variants on gene product structure and function are not available or were not evaluated for this variant. Experimental studies have shown that this protein extension affects SDHD function (PMID: 24367056). In summary, the available evidence is currently insufficient to determine the role of this variant in disease. Therefore, it has been classified as a Variant of Uncertain Significance.

PreventionGenetics, part of Exact Sciences
Classification: Uncertain significance for SDHD-related condition. Last evaluated: 2025-10-31. Review status: criteria provided, single submitter. Criteria: ACMG Guidelines, 2015. Collection method: clinical testing. Allele origin: germline.
Comment: The SDHD c.479G>T variant is predicted to result in extension of the open reading frame (p.*160Leuext*3). This variant has been reported in the compound heterozygous state in an individual with encephalomyopathy and isolated mitochondrial complex II deficiency (Jackson et al. 2014. PubMed ID: 24367056). This variant is reported in 0.00090% of alleles in individuals of European (Non-Finnish) descent in gnomAD. Functional studies indicate that this variant disrupts SDHD's complex II formation ability (Jackson et al. 2014. PubMed ID: 24367056). This variant has conflicting interpretations of uncertain and likely pathogenic in ClinVar (Variation ID: 156154). Although we suspect that this variant may be pathogenic, at this time, the clinical significance of this variant is uncertain due to the absence of conclusive functional and genetic evidence.

Institute for Genomic Medicine (IGM) Clinical Laboratory, Nationwide Children's Hospital
Classification: Likely pathogenic for Pheochromocytoma/paraganglioma syndrome 1. Last evaluated: 2025-10-15. Review status: criteria provided, single submitter. Criteria: ACMG Guidelines, 2015. Collection method: clinical testing. Allele origin: germline.
Comment: Well-established functional studies have demonstrated this variant to have a damaging effect on protein function or splicing (ACMG/AMP: PS3; PMID:24367056). This variant has been observed in trans with a pathogenic variant (ACMG/AMP: PM3; PMID:24367056). This variant is predicted to result in an in-frame insertion or deletion in a non-repetitive region (ACMG/AMP: PM4).

GeneDx
Classification: Likely pathogenic. Last evaluated: 2025-07-16. Review status: criteria provided, single submitter. Criteria: GeneDx Variant Classification Process June 2021. Collection method: clinical testing. Allele origin: germline. Affected: yes.
Comment: Published functional studies demonstrate a damaging effect: reduced enzyme activities of the individual respiratory chains complexes in skeletal muscle and inability to restore the complex II assembly in a fibroblast cell line (PMID: 24367056); Stop codon loss and change to a leucine codon, leading to protein extension and the addition of 3 amino acid(s) at the C-terminus; Not observed at significant frequency in large population cohorts (gnomAD); Also known as p.X104LextX3; This variant is associated with the following publications: (PMID: 34012134, 33162331, 24367056)

Color Diagnostics, LLC DBA Color Health
Classification: Uncertain significance for Hereditary pheochromocytoma and paraganglioma. Last evaluated: 2025-05-28. Review status: criteria provided, single submitter. Criteria: ACMG Guidelines, 2015. Collection method: clinical testing. Allele origin: germline.
Comment: This variant is a termination codon variant that changes the translational stop signal of the SDHD gene to leucine and extends the length of the SDHD protein by 3 additional amino acids. A functional complementation experiment using patient fibroblasts harboring the SDHD c.205G>A p.(Glu69Lys) and SDHD c.479G>T p.*160Leuext*3 variants demonstrated that transduction with either mutant transcript was unable to rescue the reduced expression and activity of the succinate dehydrogenase complex, whereas transduction of the patient fibroblasts with the wild type SDHD cDNA transcript restored SDH activity. Mitochondrial complex II activity and levels were also significantly reduced in patient cells (PMID: 24367056). This variant has been reported in trans with another SDHD variant (c.205G>A, p.Glu69Lys) in a single individual with autosomal recessive encephalomyopathy and isolated mitochondrial complex II deficiency (PMID: 24367056). The parents were heterozygous for one of the variants each and have been referred for tumor surveillance. Screening with 24 h measurements of blood pressure and urinary catecholamines of both parents was normal. The SDHD / c.479G>T / p.160Leuext3 variant has been observed in two individuals with paraganglioma at NIH (ClinVar, SCV000599548.1, personal communication). A similar stop loss variant in the SDHD gene, (c.479_480insGT, p.*160Trpext*8) has been identified in a patient with bilateral carotid paragangliomas (PMID: 31508186). The SDHD c.479G>T p.*160Leuext*3 variant has been identified in 1/247668 chromosomes in the general population by the Genome Aggregation Database (gnomAD). While the evidence may support a causal role in autosomal recessive mitochondrial complex II deficiency, the clinical significance with respect to autosomal dominant paraganglioma-pheochromocytoma syndrome is uncertain. Therefore, this variant is classified as a Variant of Uncertain Significance.

Ambry Genetics
Classification: Likely pathogenic for Hereditary cancer-predisposing syndrome. Last evaluated: 2025-04-04. Review status: criteria provided, single submitter. Criteria: Ambry Variant Classification Scheme 2023. Collection method: clinical testing. Allele origin: germline.
Comment: The c.479G>T variant (also known as p.*160Lext*3), located in coding exon 4 of the SDHD gene, results from a G to T substitution at nucleotide position 479, which is the second to last nucleotide of the SDHD gene. This alteration disrupts the stop codon of the SDHD gene and is predicted to preserve the native sequence while resulting in the elongation of the protein by 3 amino acids. The exact functional effect of the additional amino acids is unknown. This alteration has been reported as compound heterozygous with a second SDHD alteration, p.E69K, in an individual with autosomal recessive encephalomyopathy and isolated mitochondrial complex II deficiency (Jackson CB et al. J. Med. Genet., 2014 Mar;51:170-5). Functional studies demonstrated that the introduction of this variant to patient cells was unable to recover complex II formation compared to a WT control (Jackson CB et al. J. Med. Genet., 2014 Mar;51:170-5). This variant is considered to be rare based on population cohorts in the Genome Aggregation Database (gnomAD). Based on the majority of available evidence to date, this variant is likely to be pathogenic in association with autosomal recessive mitochondrial complex II deficiency when present along with a second pathogenic or likely pathogenic variant on the other allele; however, the clinical significance in regards to paraganglioma-pheochromocytoma syndrome is unlikely.

NM_003002.4(SDHD):c.479G>T (p.Ter160Leu)

Gene: SDHD (succinate dehydrogenase complex subunit D; plus strand). Cytogenetic location: 11q23.1.
Variant type: single nucleotide variant.
Coding change: c.479G>T on transcript NM_003002.4 (MANE Select); coding-DNA position 479, G replaced by T.
Protein change: p.Ter160Leu.
Molecular consequence: stop lost. On other transcripts: 3 prime UTR variant (2), non-coding transcript variant (1).
Genome position (GRCh38, 1-based): chr11:112,094,969, G>T. VCF-style: chr11-112094969-G-T. GRCh37 (hg19) VCF-style: chr11-111965693-G-T.
Other names: *164L; *160L; *121L; c.*76G>T (NM_001276503.2); c.362G>T, p.Ter121Leu (NM_001276504.2); c.*177G>T (NM_001276506.2).
Identifiers: ClinVar variation 156154 (VCV000156154.72), dbSNP rs201372601, ClinGen allele CA016726.
Genomic context (GRCh38, chr11:112,094,969, plus strand): 5'-GCTATTTCAACTATCACGATGTGGGCATCTGCAAAGCTGTTGCCATGCTGTGGAAGCTCT[G>T]ACCTTTTTGACTTCATACTTTGAAGAATTGATGTATGCCTCTTTGCCTCTGCTTTGTCAT-3'